The following is an entry in ClinVar:

NM_006514.4(SCN10A):c.544T>C (p.Phe182Leu)

Gene: SCN10A (sodium voltage-gated channel alpha subunit 10; minus strand). Cytogenetic location: 3p22.2.
Variant type: single nucleotide variant.
Coding change: c.544T>C on transcript NM_006514.4 (MANE Select); coding-DNA position 544, T replaced by C.
Protein change: p.Phe182Leu; replaces phenylalanine 182 with leucine.
Molecular consequence: missense variant.
Genome position (GRCh38, 1-based): chr3:38,771,334, A>G on the plus strand (T>C on the coding strand, the complement: SCN10A is on the minus strand). VCF-style: chr3-38771334-A-G. GRCh37 (hg19) VCF-style: chr3-38812825-A-G.
Other names: c.544T>C, p.Phe182Leu (NM_001293306.2, NM_001293307.2); short protein forms F182L.
Identifiers: ClinVar variation 641239 (VCV000641239.7), dbSNP rs1553623225, ClinGen allele CA352156270.

ClinVar aggregate classification (germline): Uncertain significance (1 of 4 stars; one submission).

Conditions:
Brugada syndrome. Also called: Sudden unexpected nocturnal death syndrome; Sudden unexplained nocturnal death syndrome; Sudden Unexplained Death Syndrome; Sudden Unexplained Nocturnal Death Syndrome (SUNDS). Identifiers: Orphanet 130, MedGen C1142166, MONDO:0015263.

Allele frequency attached by ClinVar (database versions not stated): gnomAD exomes below 0.00001.
gnomAD v4.1: 2 of 1,614,102 alleles (0.00012%); highest among the groups gnomAD compares: Non-Finnish European, 0.00017%; no homozygotes.

Submission:

Labcorp Genetics (formerly Invitae), Labcorp
Classification: Uncertain significance for Brugada syndrome. Last evaluated: 2019-06-11. Review status: criteria provided, single submitter. Criteria: Invitae Variant Classification Sherloc (09022015). Collection method: clinical testing. Allele origin: germline.
Comment: This sequence change replaces phenylalanine with leucine at codon 182 of the SCN10A protein (p.Phe182Leu). The phenylalanine residue is highly conserved and there is a small physicochemical difference between phenylalanine and leucine. This variant is not present in population databases (ExAC no frequency). This variant has not been reported in the literature in individuals with SCN10A-related disease. Algorithms developed to predict the effect of missense changes on protein structure and function are either unavailable or do not agree on the potential impact of this missense change (SIFT: "Deleterious"; PolyPhen-2: "Probably Damaging"; Align-GVGD: "Class C15"). In summary, the available evidence is currently insufficient to determine the role of this variant in disease. Therefore, it has been classified as a Variant of Uncertain Significance.